The following is an entry in ClinVar:

NM_024753.5(TTC21B):c.3101+4A>G

Gene: TTC21B (tetratricopeptide repeat domain 21B; minus strand). Cytogenetic location: 2q24.3.
Variant type: single nucleotide variant.
Coding change: c.3101+4A>G on transcript NM_024753.5 (MANE Select); 4 bases into the intron after coding-DNA position 3101, A replaced by G.
Molecular consequence: intron variant.
Genome position (GRCh38, 1-based): chr2:165,890,834, T>C on the plus strand (A>G on the coding strand, the complement: TTC21B is on the minus strand). VCF-style: chr2-165890834-T-C. GRCh37 (hg19) VCF-style: chr2-166747344-T-C.
Identifiers: ClinVar variation 1374138 (VCV001374138.6), dbSNP rs2105291943, ClinGen allele CA2573133470.

ClinVar aggregate classification (germline): Uncertain significance (1 of 4 stars; one submission).

Conditions:
Jeune thoracic dystrophy. Also called: Jeune syndrome; Infantile thoracic dystrophy; Thoracic pelvic phalangeal dystrophy; Jeune's syndrome; Chondroectodermal dysplasia-like syndrome; Short-rib thoracic dysplasia. Identifiers: Orphanet 474, MedGen C0265275, MONDO:0018770.
Nephronophthisis. Also called: Juvenile Nephronophthisis. Identifiers: Orphanet 655, MedGen C0687120, MONDO:0019005, HP:0000090.

Submission:

Labcorp Genetics (formerly Invitae), Labcorp
Classification: Uncertain significance for Jeune thoracic dystrophy; Nephronophthisis. Last evaluated: 2021-02-19. Review status: criteria provided, single submitter. Criteria: Invitae Variant Classification Sherloc (09022015). Collection method: clinical testing. Allele origin: germline.
Comment: In summary, the available evidence is currently insufficient to determine the role of this variant in disease. Therefore, it has been classified as a Variant of Uncertain Significance. This sequence change falls in intron 23 of the TTC21B gene. It does not directly change the encoded amino acid sequence of the TTC21B protein. It affects a nucleotide within the consensus splice site of the intron. This variant is not present in population databases (ExAC no frequency). This variant has not been reported in the literature in individuals with TTC21B-related conditions. Nucleotide substitutions within the consensus splice site are a relatively common cause of aberrant splicing (PMID: 17576681, 9536098). Algorithms developed to predict the effect of sequence changes on RNA splicing suggest that this variant may disrupt the consensus splice site, but this prediction has not been confirmed by published transcriptional studies.

Literature cited by the submitters: PubMed 17576681; PubMed 9536098.